The following is an entry in ClinVar:

NM_138927.4(SON):c.3464C>T (p.Pro1155Leu)

Gene: SON (SON DNA and RNA binding protein; plus strand). Cytogenetic location: 21q22.11.
Variant type: single nucleotide variant.
Coding change: c.3464C>T on transcript NM_138927.4 (MANE Select); coding-DNA position 3464, C replaced by T.
Protein change: p.Pro1155Leu; replaces proline 1155 with leucine.
Molecular consequence: missense variant. On other transcripts: non-coding transcript variant (1), intron variant (1).
Genome position (GRCh38, 1-based): chr21:33,552,695, C>T. VCF-style: chr21-33552695-C-T. GRCh37 (hg19) VCF-style: chr21-34925001-C-T.
Other names: c.3464C>T, p.Pro1155Leu (NM_001291411.2, NM_032195.3); c.245-4461C>T (NM_001291412.3); short protein forms P1155L.
Identifiers: ClinVar variation 4687599 (VCV004687599.1).

ClinVar aggregate classification (germline): Uncertain significance (1 of 4 stars; one submission).

Submission:

Women's Health and Genetics/Laboratory Corporation of America, LabCorp
Classification: Uncertain significance. Last evaluated: 2025-10-03. Review status: criteria provided, single submitter. Criteria: LabCorp Variant Classification Summary - May 2015. Collection method: clinical testing. Allele origin: germline.
Comment: Variant summary: SON c.3464C>T (p.Pro1155Leu) results in a non-conservative amino acid change in the encoded protein sequence. Algorithms developed to predict the effect of missense changes on protein structure and function are either unavailable or do not agree on the potential impact of this missense change. The variant was absent in 251344 control chromosomes. The available data on variant occurrences in the general population are insufficient to allow any conclusion about variant significance. To our knowledge, no occurrence of c.3464C>T in individuals affected with SON-related conditions and no experimental evidence demonstrating its impact on protein function have been reported. No submitters have cited clinical-significance assessments for this variant to ClinVar. Based on the evidence outlined above, the variant was classified as uncertain significance.